The following is an entry in ClinVar:

NM_017755.6(NSUN2):c.1914dup (p.Arg639Ter)

Gene: NSUN2 (NOP2/Sun RNA methyltransferase 2; minus strand). Cytogenetic location: 5p15.31.
Variant type: Duplication.
Coding change: c.1914dup on transcript NM_017755.6 (MANE Select); coding-DNA position 1914, one base duplicated (T; older notation c.1914dupT).
Protein change: p.Arg639Ter; replaces arginine 639 with a stop codon.
Molecular consequence: nonsense. On other transcripts: non-coding transcript variant (1).
Genome position (GRCh38, 1-based): chr5:6,604,181, A duplicated on the plus strand (T on the coding strand, the reverse complement: NSUN2 is on the minus strand); the first of 6 consecutive A bases (chr5:6,604,181-6,604,186); duplicating any one gives the same sequence. VCF-style (leftmost placement, unchanged base first): chr5-6604180-T-TA. GRCh37 (hg19) VCF-style: chr5-6604293-T-TA.
Other names: c.1809dup, p.Arg604Ter (NM_001193455.2); short protein forms R604*, R639*.
Identifiers: ClinVar variation 3341387 (VCV003341387.1).
Genomic context (GRCh38, chr5:6,604,180, plus strand): 5'-GCATTTCCAACTACTCACCCAGGTCCTTTGCTTGACTGTAGGTCTCACTGCTGAGTTTTC[T>TA]AAAAAAGGGATTTTCCTGGGTCAACAGTATCTTAACATCTTCCATTGATACAGTAATAAT-3'

ClinVar aggregate classification (germline): Likely pathogenic (1 of 4 stars; one submission).

Conditions:
Intellectual developmental disorder, autosomal recessive 5. Also called: Intellectual disability, autosomal recessive 5. Identifiers: Orphanet 88616, MedGen C1970199, MONDO:0012613, OMIM 611091.

Submission:

Neuberg Centre For Genomic Medicine, NCGM
Classification: Likely pathogenic for Intellectual developmental disorder, autosomal recessive 5. Last evaluated: 2023-05-20. Review status: criteria provided, single submitter. Criteria: ACMG Guidelines, 2015. Collection method: clinical testing. Allele origin: germline. Inheritance: Autosomal recessive inheritance. Affected: yes.
Comment: The observed frameshift variant c.1914dup(p.Arg639Ter) in NSUN2 gene has not been reported previously as a pathogenic variant nor as a benign variant, to our knowledge. The c.1914dup variant is absent in gnomAD Exomes. This variant is predicted to cause loss of normal protein function through protein truncation. Loss of function variants have been previously reported to be disease causing (Abbasi-Moheb L, et al., 2012). For these reasons, this variant has been classified as Likely Pathogenic. In the absence of another reportable variant, the molecular diagnosis is not confirmed.